The following is an entry in ClinVar:

NM_006096.4(NDRG1):c.326+64G>C

Gene: NDRG1 (N-myc downstream regulated 1; minus strand). Cytogenetic location: 8q24.22.
Variant type: single nucleotide variant.
Coding change: c.326+64G>C on transcript NM_006096.4 (MANE Select); 64 bases into the intron after coding-DNA position 326, G replaced by C.
Molecular consequence: intron variant.
Genome position (GRCh38, 1-based): chr8:133,261,983, C>G on the plus strand (G>C on the coding strand, the complement: NDRG1 is on the minus strand). VCF-style: chr8-133261983-C-G. GRCh37 (hg19) VCF-style: chr8-134274226-C-G.
Other names: c.128+64G>C (NM_001258432.2, NM_001374847.1); c.83+64G>C (NM_001258433.2); c.326+64G>C (NM_001374844.1, NM_001135242.2, NM_001374845.1 and 1 more transcripts).
Identifiers: ClinVar variation 667641 (VCV000667641.2), dbSNP rs2233324, ClinGen allele CA12848557.

ClinVar aggregate classification (germline): Benign. Review status: criteria provided, multiple submitters, no conflicts (2 of 4 stars). 2 submissions from 2 submitters: Benign (2). Last evaluated 2018-06-14.

Allele frequency attached by ClinVar (database versions not stated): gnomAD exomes 0.85232; gnomAD 0.85679 and 0.86172; TOPMed 0.85842; 1000 Genomes Project 30x 0.90397; 1000 Genomes Project 0.90775.
gnomAD v4.1: 1,304,944 of 1,529,008 alleles (85%); highest among the groups gnomAD compares: East Asian, 100%; 558,390 homozygotes.

Submissions (2):

GeneDx
Classification: Benign. Last evaluated: 2018-06-14. Review status: criteria provided, single submitter. Criteria: GeneDx Variant Classification (06012015). Collection method: clinical testing. Allele origin: germline. Affected: yes.
Comment: This variant is considered likely benign or benign based on one or more of the following criteria: it is a conservative change, it occurs at a poorly conserved position in the protein, it is predicted to be benign by multiple in silico algorithms, and/or has population frequency not consistent with disease.

Breakthrough Genomics
Classification: Benign. Review status: criteria provided, single submitter. Criteria: ACMG Guidelines, 2015. Collection method: not provided. Allele origin: germline. Inheritance: Autosomal recessive inheritance. Affected: yes.